The following is an entry in ClinVar:

NM_015158.5(KANK1):c.3996+63T>C

Gene: KANK1 (KN motif and ankyrin repeat domains 1; plus strand). Cytogenetic location: 9p24.3.
Variant type: single nucleotide variant.
Coding change: c.3996+63T>C on transcript NM_015158.5 (MANE Select); 63 bases into the intron after coding-DNA position 3996, T replaced by C.
Molecular consequence: intron variant.
Genome position (GRCh38, 1-based): chr9:744,652, T>C. VCF-style: chr9-744652-T-C. GRCh37 (hg19) VCF-style: chr9-744652-T-C.
Other names: c.3996+63T>C (NM_001256876.3, NM_001438412.1, NM_001354334.2 and 1 more transcripts); c.3522+63T>C (NM_001354333.2, NM_001354335.2, NM_001354337.2 and 2 more transcripts); c.3756+63T>C (NM_001354331.2); c.3942+63T>C (NM_001354332.2); c.3228+63T>C (NM_001354336.2, NM_001438411.1); c.3282+63T>C (NM_001354339.2, NM_001354343.2, NM_001354342.2); c.3468+63T>C (NM_001354338.2, NM_001354340.2, NM_001354344.2).
Identifiers: ClinVar variation 4873668 (VCV004873668.2).

ClinVar aggregate classification (germline): Likely benign (1 of 4 stars; one submission).

gnomAD v4.1: 7 of 1,613,442 alleles (0.00043%); highest among the groups gnomAD compares: Admixed American, 0.005%; no homozygotes.

Submission:

CeGaT Center for Human Genetics Tuebingen
Classification: Likely benign. Last evaluated: 2026-06-01. Review status: criteria provided, single submitter. Criteria: CeGaT Center For Human Genetics Tuebingen Variant Classification Criteria Version 2. Collection method: clinical testing. Allele origin: germline. Affected: yes. Observed: 1 variant allele.
Comment: KANK1: BP4, BP7